The following is an entry in ClinVar:

ClinVar aggregate classification (germline): Uncertain significance. Review status: criteria provided, multiple submitters, no conflicts (2 of 4 stars). 3 submissions from 3 submitters: Uncertain significance (3). Last evaluated 2025-06-06.

Conditions:
Hereditary cancer-predisposing syndrome. Also called: Tumor predisposition; Neoplastic Syndromes, Hereditary; Hereditary neoplastic syndrome; Hereditary Cancer Syndrome. Identifiers: Orphanet 140162, MedGen C0027672, MeSH D009386, MONDO:0015356.
Familial adenomatous polyposis 1 (FAP1). Also called: POLYPOSIS, ADENOMATOUS INTESTINAL; FAMILIAL ADENOMATOUS POLYPOSIS 1, ATTENUATED. Identifiers: MedGen C2713442, MONDO:0021056, OMIM 175100. Disease mechanism: loss of function.

Submissions (3):

Ambry Genetics
Classification: Uncertain significance for Hereditary cancer-predisposing syndrome. Last evaluated: 2025-06-06. Review status: criteria provided, single submitter. Criteria: Ambry Variant Classification Scheme 2023. Collection method: clinical testing. Allele origin: germline.
Comment: The p.I1304T variant (also known as c.3911T>C), located in coding exon 15 of the APC gene, results from a T to C substitution at nucleotide position 3911. The isoleucine at codon 1304 is replaced by threonine, an amino acid with similar properties. This amino acid position is conserved. In addition, in silico predictors for this gene do not accurately predict pathogenicity. Based on the available evidence, the clinical significance of this variant remains unclear.

Color Diagnostics, LLC DBA Color Health
Classification: Uncertain significance for Hereditary cancer-predisposing syndrome. Last evaluated: 2021-09-07. Review status: criteria provided, single submitter. Criteria: ACMG Guidelines, 2015. Collection method: clinical testing. Allele origin: germline.
Comment: This missense variant replaces isoleucine with threonine at codon 1304 of the APC protein. Computational prediction suggests that this variant may not impact protein structure and function (internally defined REVEL score threshold <= 0.5, PMID: 27666373). To our knowledge, functional studies have not been reported for this variant. This variant has not been reported in individuals affected with hereditary cancer in the literature. This variant has not been identified in the general population by the Genome Aggregation Database (gnomAD). The available evidence is insufficient to determine the role of this variant in disease conclusively. Therefore, this variant is classified as a Variant of Uncertain Significance.

Labcorp Genetics (formerly Invitae), Labcorp
Classification: Uncertain significance for Familial adenomatous polyposis 1. Last evaluated: 2020-10-27. Review status: criteria provided, single submitter. Criteria: Invitae Variant Classification Sherloc (09022015). Collection method: clinical testing. Allele origin: germline.
Comment: In summary, the available evidence is currently insufficient to determine the role of this variant in disease. Therefore, it has been classified as a Variant of Uncertain Significance. Algorithms developed to predict the effect of sequence changes on RNA splicing suggest that this variant may create or strengthen a splice site, but this prediction has not been confirmed by published transcriptional studies. Algorithms developed to predict the effect of missense changes on protein structure and function (SIFT, PolyPhen-2, Align-GVGD) all suggest that this variant is likely to be tolerated, but these predictions have not been confirmed by published functional studies and their clinical significance is uncertain. This variant has not been reported in the literature in individuals with APC-related conditions. ClinVar contains an entry for this variant (Variation ID: 630417). This variant is not present in population databases (ExAC no frequency). This sequence change replaces isoleucine with threonine at codon 1304 of the APC protein (p.Ile1304Thr). The isoleucine residue is highly conserved and there is a moderate physicochemical difference between isoleucine and threonine.

NM_000038.6(APC):c.3911T>C (p.Ile1304Thr)

Gene: APC (APC regulator of Wnt signaling pathway; plus strand). Cytogenetic location: 5q22.2.
Variant type: single nucleotide variant.
Coding change: c.3911T>C on transcript NM_000038.6 (MANE Select); coding-DNA position 3911, T replaced by C.
Protein change: p.Ile1304Thr; replaces isoleucine 1304 with threonine.
Molecular consequence: missense variant.
Genome position (GRCh38, 1-based): chr5:112,839,505, T>C. VCF-style: chr5-112839505-T-C. GRCh37 (hg19) VCF-style: chr5-112175202-T-C.
Other names: c.3911T>C, p.Ile1304Thr (NM_001127510.3, NM_001354895.2); c.3857T>C, p.Ile1286Thr (NM_001127511.3); c.3965T>C, p.Ile1322Thr (NM_001354896.2); c.3941T>C, p.Ile1314Thr (NM_001354897.2); c.3836T>C, p.Ile1279Thr (NM_001354898.2); c.3827T>C, p.Ile1276Thr (NM_001354899.2); c.3788T>C, p.Ile1263Thr (NM_001354900.2); c.3734T>C, p.Ile1245Thr (NM_001354901.2); and 5 more; short protein forms I1286T, I1304T, I1144T, I1322T, I1021T, I1276T, I1178T, I1245T.
Identifiers: ClinVar variation 630417 (VCV000630417.16), dbSNP rs1561588370, ClinGen allele CA16029914.